The following is an entry in ClinVar:

NM_019098.5(CNGB3):c.919A>G (p.Ile307Val)

Gene: CNGB3 (cyclic nucleotide gated channel subunit beta 3; minus strand). Cytogenetic location: 8q21.3.
Variant type: single nucleotide variant.
Coding change: c.919A>G on transcript NM_019098.5 (MANE Select); coding-DNA position 919, A replaced by G.
Protein change: p.Ile307Val; replaces isoleucine 307 with valine.
Molecular consequence: missense variant.
Genome position (GRCh38, 1-based): chr8:86,647,872, T>C on the plus strand (A>G on the coding strand, the complement: CNGB3 is on the minus strand). VCF-style: chr8-86647872-T-C. GRCh37 (hg19) VCF-style: chr8-87660100-T-C.
Other names: short protein forms I307V.
Identifiers: ClinVar variation 261092 (VCV000261092.19), dbSNP rs13265557, ClinGen allele CA4800218.

ClinVar aggregate classification (germline): Benign. Review status: criteria provided, multiple submitters, no conflicts (2 of 4 stars). 8 submissions from 7 submitters: Benign (7). 1 of the submissions does not count toward it. Last evaluated 2026-02-04.

Conditions:
Achromatopsia 3 (ACHM3). Also called: PINGELAPESE BLINDNESS; TOTAL COLORBLINDNESS WITH MYOPIA; ROD MONOCHROMACY 1; ROD MONOCHROMATISM 1; ACHROMATOPSIA WITH MYOPIA. Identifiers: Orphanet 49382, MedGen C1849792, MONDO:0009875, OMIM 262300.
Achromatopsia. Also called: Rod monochromatism. Identifiers: Orphanet 49382, MedGen C0152200, MONDO:0018852, HP:0011516.
Severe early-childhood-onset retinal dystrophy (STGD1). Also called: Stargardt macular dystrophy; Juvenile onset macular degeneration; Stargardt disease 1; MACULAR DYSTROPHY WITH FLECKS, TYPE 1; STGD. Identifiers: Orphanet 364055, Orphanet 827, MedGen C1855465, MeSH D000080362, MONDO:0009549, OMIM 248200.

Allele frequency attached by ClinVar (database versions not stated): TOPMed 0.05523; ESP Exome Variant Server 0.05722; gnomAD 0.05793 and 0.06029; gnomAD exomes 0.06529 and 0.06918; ExAC 0.07119; 1000 Genomes Project 0.07009; 1000 Genomes Project 30x 0.06964.
gnomAD v4.1: 103,195 of 1,590,968 alleles (6.5%); highest among the groups gnomAD compares: South Asian, 11%; 3,760 homozygotes.

Submissions (8):

Labcorp Genetics (formerly Invitae), Labcorp
Classification: Benign. Last evaluated: 2026-02-04. Review status: criteria provided, single submitter. Criteria: Invitae Variant Classification Sherloc (09022015). Collection method: clinical testing. Allele origin: germline.

Genome-Nilou Lab
Classification: Benign for Achromatopsia 3. Last evaluated: 2021-07-10. Review status: criteria provided, single submitter. Criteria: ACMG Guidelines, 2015. Collection method: clinical testing. Allele origin: germline. Affected: no.

Illumina Laboratory Services, Illumina
Classification: Benign for Severe early-childhood-onset retinal dystrophy. Last evaluated: 2018-01-13. Review status: criteria provided, single submitter. Criteria: ICSL Variant Classification Criteria 13 December 2019. Collection method: clinical testing. Allele origin: germline.
Comment: This variant was observed in the ICSL laboratory as part of a predisposition screen in an ostensibly healthy population. It had not been previously curated by ICSL or reported in the Human Gene Mutation Database (HGMD: prior to June 1st, 2018), and was therefore a candidate for classification through an automated scoring system. Utilizing variant allele frequency, disease prevalence and penetrance estimates, and inheritance mode, an automated score was calculated to assess if this variant is too frequent to cause the disease. Based on the score and internal cut-off values, a variant classified as benign is not then subjected to further curation. The score for this variant resulted in a classification of benign for this disease.

Illumina Laboratory Services, Illumina
Classification: Benign for Achromatopsia 3. Last evaluated: 2018-01-13. Review status: criteria provided, single submitter. Criteria: ICSL Variant Classification Criteria 13 December 2019. Collection method: clinical testing. Allele origin: germline.
Comment: the same text as in the submission from Illumina Laboratory Services, Illumina above.

GeneDx
Classification: Benign. Last evaluated: 2016-07-19. Review status: criteria provided, single submitter. Criteria: GeneDx Variant Classification (06012015). Collection method: clinical testing. Allele origin: germline. Affected: yes.
Comment: This variant is considered likely benign or benign based on one or more of the following criteria: it is a conservative change, it occurs at a poorly conserved position in the protein, it is predicted to be benign by multiple in silico algorithms, and/or has population frequency not consistent with disease.

Breakthrough Genomics
Classification: Benign. Review status: criteria provided, single submitter. Criteria: ACMG Guidelines, 2015. Collection method: not provided. Allele origin: germline. Inheritance: Autosomal recessive inheritance. Affected: yes.

PreventionGenetics, part of Exact Sciences
Classification: Benign. Review status: criteria provided, single submitter. Criteria: ACMG Guidelines, 2015. Collection method: clinical testing. Allele origin: germline.

Natera, Inc.
Classification: Benign for Achromatopsia. Last evaluated: 2020-09-16. Review status: no assertion criteria provided. Collection method: clinical testing. Allele origin: germline. Not counted in ClinVar's aggregate classification.